The following is an entry in ClinVar:

NM_000823.4(GHRHR):c.974+9T>A

Gene: GHRHR (growth hormone releasing hormone receptor; plus strand). Cytogenetic location: 7p14.3.
Variant type: single nucleotide variant.
Coding change: c.974+9T>A on transcript NM_000823.4 (MANE Select); 9 bases into the intron after coding-DNA position 974, T replaced by A.
Molecular consequence: intron variant.
Genome position (GRCh38, 1-based): chr7:30,975,877, T>A. VCF-style: chr7-30975877-T-A. GRCh37 (hg19) VCF-style: chr7-31015492-T-A.
Identifiers: ClinVar variation 1445157 (VCV001445157.8), dbSNP rs1279722738, ClinGen allele CA2573142126.

ClinVar aggregate classification (germline): Uncertain significance (1 of 4 stars; one submission).

Submission:

Labcorp Genetics (formerly Invitae), Labcorp
Classification: Uncertain significance. Last evaluated: 2021-04-23. Review status: criteria provided, single submitter. Criteria: Invitae Variant Classification Sherloc (09022015). Collection method: clinical testing. Allele origin: germline.
Comment: In summary, the available evidence is currently insufficient to determine the role of this variant in disease. Therefore, it has been classified as a Variant of Uncertain Significance. Algorithms developed to predict the effect of sequence changes on RNA splicing suggest that this variant may create or strengthen a splice site, but this prediction has not been confirmed by published transcriptional studies. This variant has not been reported in the literature in individuals with GHRHR-related conditions. This variant is not present in population databases (ExAC no frequency). This sequence change falls in intron 10 of the GHRHR gene. It does not directly change the encoded amino acid sequence of the GHRHR protein.